The following is an entry in ClinVar:

NM_058246.4(DNAJB6):c.176-20A>G

Gene: DNAJB6 (DnaJ heat shock protein family (Hsp40) member B6; plus strand). Cytogenetic location: 7q36.3.
Variant type: single nucleotide variant.
Coding change: c.176-20A>G on transcript NM_058246.4 (MANE Select); 20 bases into the intron before coding-DNA position 176, A replaced by G.
Molecular consequence: intron variant.
Genome position (GRCh38, 1-based): chr7:157,366,482, A>G. VCF-style: chr7-157366482-A-G. GRCh37 (hg19) VCF-style: chr7-157159176-A-G.
Other names: c.176-20A>G (NM_001363676.1, NM_005494.3).
Identifiers: ClinVar variation 262305 (VCV000262305.13), dbSNP rs28377945, ClinGen allele CA4590396.
Genomic context (GRCh38, chr7:157,366,482, plus strand): 5'-ACAACTGGGGAAATACCTTATCTATTGAATTAAGGGTTTAAAAGGAACTTGGCCTTACCG[A>G]CTTTTCTTTCAATTTTTAGCTAAGAAACGGGACATCTATGACAAATATGGCAAAGAAGGA-3'

ClinVar aggregate classification (germline): Benign. Review status: criteria provided, multiple submitters, no conflicts (2 of 4 stars). 7 submissions from 7 submitters: Benign (5). 2 of the submissions do not count toward it. Last evaluated 2026-02-01.

Conditions:
Autosomal dominant limb-girdle muscular dystrophy type 1D (DNAJB6) (LGMDD1). Also called: MUSCULAR DYSTROPHY, LIMB-GIRDLE, TYPE 1D; MUSCULAR DYSTROPHY, AUTOSOMAL DOMINANT, WITH RIMMED VACUOLES; Autosomal dominant limb-girdle muscular dystrophy type 1D; Muscular dystrophy, limb-girdle, autosomal dominant 1. Identifiers: Orphanet 34516, MedGen C4721885, MONDO:0021018, OMIM 603511.

Allele frequency attached by ClinVar (database versions not stated): gnomAD exomes 0.03646; ExAC 0.03921; 1000 Genomes Project 0.04453; 1000 Genomes Project 30x 0.04622; TOPMed 0.04934; gnomAD 0.04942 and 0.05106; ESP Exome Variant Server 0.05221.
gnomAD v4.1: 64,682 of 1,612,064 alleles (4%); highest among the groups gnomAD compares: African/African-American, 7.9%; 1,495 homozygotes.

Submissions (7):

Labcorp Genetics (formerly Invitae), Labcorp
Classification: Benign for Autosomal dominant limb-girdle muscular dystrophy type 1D (DNAJB6). Last evaluated: 2026-02-01. Review status: criteria provided, single submitter. Criteria: Invitae Variant Classification Sherloc (09022015). Collection method: clinical testing. Allele origin: germline.

Blueprint Genetics
Classification: Benign. Last evaluated: 2024-11-27. Review status: criteria provided, single submitter. Criteria: ACMG Guidelines, 2015. Collection method: clinical testing. Allele origin: germline.

GeneDx
Classification: Benign. Last evaluated: 2016-02-29. Review status: criteria provided, single submitter. Criteria: GeneDx Variant Classification (06012015). Collection method: clinical testing. Allele origin: germline. Affected: yes.
Comment: This variant is considered likely benign or benign based on one or more of the following criteria: it is a conservative change, it occurs at a poorly conserved position in the protein, it is predicted to be benign by multiple in silico algorithms, and/or has population frequency not consistent with disease.

Breakthrough Genomics
Classification: Benign. Review status: criteria provided, single submitter. Criteria: ACMG Guidelines, 2015. Collection method: not provided. Allele origin: germline. Inheritance: Autosomal dominant inheritance. Affected: yes.

PreventionGenetics, part of Exact Sciences
Classification: Benign. Review status: criteria provided, single submitter. Criteria: ACMG Guidelines, 2015. Collection method: clinical testing. Allele origin: germline.

Clinical Genetics, Academic Medical Center
Classification: Benign. Review status: no assertion criteria provided. Collection method: clinical testing. Allele origin: germline. Affected: yes. Study: VKGL Data-share Consensus. Not counted in ClinVar's aggregate classification.

Laboratory of Diagnostic Genome Analysis, Leiden University Medical Center (LUMC)
Classification: Likely benign. Review status: no assertion criteria provided. Collection method: clinical testing. Allele origin: germline. Affected: yes. Study: VKGL Data-share Consensus. Not counted in ClinVar's aggregate classification.